The following is an entry in ClinVar:

ClinVar aggregate classification (germline): Likely pathogenic (1 of 4 stars; one submission).

Conditions:
Hematuria. Identifiers: MedGen C0018965, HP:0000790.

Submission:

Genetics Laboratory, Great Ormond Street Hospital NHS Foundation Trust, North Thames Genomic Laboratory Hub
Classification: Likely pathogenic for Haematuria. Last evaluated: 2026-05-22. Review status: criteria provided, single submitter. Criteria: ACGS Best Practice Guidelines for Variant Classification in Rare Disease 2024 v1.2. Collection method: clinical testing. Allele origin: germline. Affected: yes.
Comment: PM2_moderate, PP3_supporting, PM5_moderate, PM1_moderate

NM_000092.5(COL4A4):c.1597G>A (p.Gly533Ser)

Gene: COL4A4 (collagen type IV alpha 4 chain; minus strand). Cytogenetic location: 2q36.3.
Variant type: single nucleotide variant.
Coding change: c.1597G>A on transcript NM_000092.5 (MANE Select); coding-DNA position 1597, G replaced by A.
Protein change: p.Gly533Ser; replaces glycine 533 with serine.
Molecular consequence: missense variant.
Genome position (GRCh38, 1-based): chr2:227,088,679, C>T on the plus strand (G>A on the coding strand, the complement: COL4A4 is on the minus strand). VCF-style: chr2-227088679-C-T. GRCh37 (hg19) VCF-style: chr2-227953395-C-T.
Other names: short protein forms G533S.
Identifiers: ClinVar variation 4871871 (VCV004871871.1).
Genomic context (GRCh38, chr2:227,088,679, plus strand): 5'-TTAACTGGAAAGATGACTGGTAAGAGGTACTCACTGGTAGCCCTGGAGGTCCTTCAGCAC[C>T]AGGAGGTCCTGGGTCACCTTTTGTTCCAAGCCAGCCAGGGAGCCCCAAGTCTCCCTTACT-3'
Protein context (NP_000083.3, residues 523-543): LGTKGDPGPP[Gly533Ser]AEGPPGLPGK